The following is an entry in ClinVar:

NM_001385641.1(SAMD11):c.2327G>C (p.Ser776Thr)

Gene: SAMD11 (sterile alpha motif domain containing 11; plus strand). Cytogenetic location: 1p36.33.
Variant type: single nucleotide variant.
Coding change: c.2327G>C on transcript NM_001385641.1 (MANE Select); coding-DNA position 2327, G replaced by C.
Protein change: p.Ser776Thr; replaces serine 776 with threonine.
Molecular consequence: missense variant.
Genome position (GRCh38, 1-based): chr1:943,945, G>C. VCF-style: chr1-943945-G-C. GRCh37 (hg19) VCF-style: chr1-879325-G-C.
Other names: c.2330G>C, p.Ser777Thr (NM_001385640.1); c.1838G>C, p.Ser613Thr (NM_152486.4); c.1838G>C (NM_152486.2); short protein forms S776T, S613T, S777T.
Identifiers: ClinVar variation 2057111 (VCV002057111.5), dbSNP rs1185802349, ClinGen allele CA337817735.

ClinVar aggregate classification (germline): Uncertain significance. Review status: criteria provided, multiple submitters, no conflicts (2 of 4 stars). 2 submissions from 2 submitters: Uncertain significance (2). Last evaluated 2025-10-22.

Allele frequency attached by ClinVar (database versions not stated): gnomAD 0.00001; TOPMed 0.00001.
gnomAD v4.1: 5 of 1,612,556 alleles (0.00031%); highest among the groups gnomAD compares: African/African-American, 0.0067%; no homozygotes.

Submissions (2):

Ambry Genetics
Classification: Uncertain significance. Last evaluated: 2025-10-22. Review status: criteria provided, single submitter. Criteria: Ambry Variant Classification Scheme 2023. Collection method: clinical testing. Allele origin: germline.

Labcorp Genetics (formerly Invitae), Labcorp
Classification: Uncertain significance. Last evaluated: 2021-12-24. Review status: criteria provided, single submitter. Criteria: Invitae Variant Classification Sherloc (09022015). Collection method: clinical testing. Allele origin: germline.
Comment: In summary, the available evidence is currently insufficient to determine the role of this variant in disease. Therefore, it has been classified as a Variant of Uncertain Significance. Algorithms developed to predict the effect of missense changes on protein structure and function are either unavailable or do not agree on the potential impact of this missense change (SIFT: "Tolerated"; PolyPhen-2: "Possibly Damaging"; Align-GVGD: "Class C0"). This variant has not been reported in the literature in individuals affected with SAMD11-related conditions. This variant is not present in population databases (gnomAD no frequency). This sequence change replaces serine, which is neutral and polar, with threonine, which is neutral and polar, at codon 613 of the SAMD11 protein (p.Ser613Thr).